The following is an entry in ClinVar:

NM_007294.4(BRCA1):c.4328G>A (p.Arg1443Gln)

Gene: BRCA1 (BRCA1 DNA repair associated; minus strand). Cytogenetic location: 17q21.31.
Variant type: single nucleotide variant.
Coding change: c.4328G>A on transcript NM_007294.4 (MANE Select); coding-DNA position 4328, G replaced by A.
Protein change: p.Arg1443Gln; replaces arginine 1443 with glutamine.
Molecular consequence: missense variant. On other transcripts: non-coding transcript variant (1).
Genome position (GRCh38, 1-based): chr17:43,082,433, C>T on the plus strand (G>A on the coding strand, the complement: BRCA1 is on the minus strand). VCF-style: chr17-43082433-C-T. GRCh37 (hg19) VCF-style: chr17-41234450-C-T.
Other names: c.4325G>A, p.Arg1442Gln (NM_001407590.1, NM_001407591.1, NM_001407624.1 and 21 more transcripts); c.4328G>A, p.Arg1443Gln (NM_001407593.1, NM_001407594.1, NM_001407596.1 and 23 more transcripts); c.4244G>A, p.Arg1415Gln (NM_001407660.1, NM_001407659.1); c.4247G>A, p.Arg1416Gln (NM_001407661.1, NM_001407662.1, NM_001407663.1 and 1 more transcripts); c.4205G>A, p.Arg1402Gln (NM_001407664.1, NM_001407665.1, NM_001407666.1 and 13 more transcripts); c.4187G>A, p.Arg1396Gln (NM_001407724.1, NM_001407725.1, NM_001407726.1 and 23 more transcripts); c.3992G>A, p.Arg1331Gln (NM_001407954.1, NM_001407955.1, NM_001407957.1 and 3 more transcripts); c.3989G>A, p.Arg1330Gln (NM_001407956.1); and 51 more; short protein forms R1443Q, R1396Q, R340Q, R1147Q, R1315Q, R1331Q, R1354Q, R1373Q.
Identifiers: ClinVar variation 55169 (VCV000055169.27), dbSNP rs4986849, ClinGen allele CA002771.

ClinVar aggregate classification (germline): Conflicting classifications of pathogenicity. Review status: criteria provided, conflicting classifications (1 of 4 stars). 7 submissions from 7 submitters: Uncertain significance (3); Likely benign (3). 1 of the submissions does not count toward it. Last evaluated 2026-01-05.

Conditions:
Familial pancreatic carcinoma. Identifiers: Orphanet 1333, MedGen C2931038, MONDO:0015278, OMIM 260350.
Hereditary cancer-predisposing syndrome. Also called: Hereditary Cancer Syndrome; Hereditary neoplastic syndrome; Neoplastic Syndromes, Hereditary; Tumor predisposition. Identifiers: Orphanet 140162, MedGen C0027672, MeSH D009386, MONDO:0015356.
Hereditary breast ovarian cancer syndrome. Also called: BRCA1- and BRCA2-Associated Hereditary Breast and Ovarian Cancer; Hereditary breast and ovarian cancer syndrome; Hereditary breast and ovarian cancer syndrome (HBOC); Breast and ovarian cancer; Hereditary breast and/or ovarian cancer syndrome; Hereditary breast and ovarian cancer. Identifiers: Orphanet 145, MedGen C0677776, MeSH D061325, MONDO:0003582. Disease mechanism: loss of function.
Breast-ovarian cancer, familial, susceptibility to, 1 (BROVCA1). Also called: BRCA1 Hereditary Breast and Ovarian Cancer; OVARIAN CANCER, SUSCEPTIBILITY TO. Identifiers: Orphanet 145, MedGen C2676676, MONDO:0011450, OMIM 604370. Disease mechanism: loss of function.

Allele frequency attached by ClinVar (database versions not stated): gnomAD 0.00001 and 0.00002; ExAC 0.00001; TOPMed 0.00002; gnomAD exomes 0.00001.
gnomAD v4.1: 7 of 1,614,112 alleles (0.00043%); highest among the groups gnomAD compares: African/African-American, 0.004%; no homozygotes.

Submissions (7):

Labcorp Genetics (formerly Invitae), Labcorp
Classification: Likely benign for Hereditary breast ovarian cancer syndrome. Last evaluated: 2026-01-05. Review status: criteria provided, single submitter. Criteria: Invitae Variant Classification Sherloc (09022015). Collection method: clinical testing. Allele origin: germline.

Quest Diagnostics Nichols Institute San Juan Capistrano
Classification: Uncertain significance. Last evaluated: 2025-03-13. Review status: criteria provided, single submitter. Criteria: Quest Diagnostics criteria. Collection method: clinical testing. Allele origin: unknown.
Comment: The BRCA1 c.4328G>A (p.Arg1443Gln) variant has been reported as a neutral variant (PMID: 29884841 (2019)) that does not impact BRCA1 transcription (PMID: 30765603 (2019), 28781887 (2016)), however further functional studies are needed. It has been reported in individuals with breast and/or ovarian cancer (PMID: 33471991 (2021), 30555256 (2018), see also LOVD), as well as in reportedly healthy individuals (PMID: 33471991 (2021), see also LOVD). The frequency of this variant in the general population (Genome Aggregation Database) is uninformative in the assessment of its pathogenicity. Analysis of this variant using bioinformatics tools for the prediction of the effect of amino acid changes on protein structure and function yielded predictions that this variant is benign. Based on the available information, we are unable to determine the clinical significance of this variant.

Center for Genomic Medicine, Rigshospitalet, Copenhagen University Hospital
Classification: Uncertain significance. Last evaluated: 2025-03-04. Review status: criteria provided, single submitter. Criteria: ACMG Guidelines, 2015. Collection method: clinical testing. Allele origin: germline.

Department of Pathology and Laboratory Medicine, Sinai Health System
Classification: Uncertain significance for Familial pancreatic carcinoma. Last evaluated: 2022-12-01. Review status: criteria provided, single submitter. Criteria: ACMG Guidelines, 2015. Collection method: clinical testing. Allele origin: germline. Affected: yes.

Ambry Genetics
Classification: Likely benign for Hereditary cancer-predisposing syndrome. Last evaluated: 2017-10-11. Review status: criteria provided, single submitter. Criteria: Ambry Variant Classification Scheme 2023. Collection method: clinical testing. Allele origin: germline.

Color Diagnostics, LLC DBA Color Health
Classification: Likely benign for Hereditary cancer-predisposing syndrome. Last evaluated: 2015-12-08. Review status: criteria provided, single submitter. Criteria: ACMG Guidelines, 2015. Collection method: clinical testing. Allele origin: germline.

Breast Cancer Information Core (BIC) (BRCA1)
Classification: Uncertain significance for Breast-ovarian cancer, familial 1. Last evaluated: 2003-12-23. Review status: no assertion criteria provided. Collection method: clinical testing. Allele origin: germline. Affected: yes. Observed: 1 variant allele. Not counted in ClinVar's aggregate classification.

Literature cited by the submitters: PubMed 33471991 (cited by Quest Diagnostics Nichols Institute San Juan Capistrano); PubMed 30765603 (cited by Quest Diagnostics Nichols Institute San Juan Capistrano); PubMed 28781887 (cited by Quest Diagnostics Nichols Institute San Juan Capistrano); PubMed 30555256 (cited by Quest Diagnostics Nichols Institute San Juan Capistrano and Department of Pathology and Laboratory Medicine, Sinai Health System); PubMed 29884841 (cited by Quest Diagnostics Nichols Institute San Juan Capistrano); PubMed 33087888 (cited by Quest Diagnostics Nichols Institute San Juan Capistrano).